The following is an entry in ClinVar:

NM_032776.3(JMJD1C):c.1390_1391delinsAT (p.Ser464Met)

Gene: JMJD1C (jumonji domain containing 1C; minus strand). Cytogenetic location: 10q21.3.
Variant type: Indel.
Coding change: c.1390_1391delinsAT on transcript NM_032776.3 (MANE Select); coding-DNA positions 1390 to 1391, TC replaced by AT.
Protein change: p.Ser464Met; replaces serine 464 with methionine.
Molecular consequence: missense variant. On other transcripts: non-coding transcript variant (1).
Genome position (GRCh38, 1-based): chr10:63,214,776-63,214,777, GA replaced by AT on the plus strand (TC replaced by AT on the coding strand, the reverse complement: JMJD1C is on the minus strand). VCF-style: chr10-63214776-GA-AT. GRCh37 (hg19) VCF-style: chr10-64974536-GA-AT.
Other names: c.844_845delinsAT, p.Ser282Met (NM_001282948.2, NM_001318154.2); c.526_527delinsAT, p.Ser176Met (NM_001318153.2); c.1276_1277delinsAT, p.Ser426Met (NM_001322252.2); c.733_734delinsAT, p.Ser245Met (NM_001322254.2, NM_001322258.2); short protein forms S245M, S426M, S176M, S464M, S282M.
Identifiers: ClinVar variation 1500932 (VCV001500932.6), dbSNP rs2133225076, ClinGen allele CA2573145245.

ClinVar aggregate classification (germline): Uncertain significance (1 of 4 stars; one submission).

Conditions:
Early Myoclonic Encephalopathy. Identifiers: MedGen C0270855.

Submission:

Labcorp Genetics (formerly Invitae), Labcorp
Classification: Uncertain significance for Early Myoclonic Encephalopathy. Last evaluated: 2023-02-16. Review status: criteria provided, single submitter. Criteria: Invitae Variant Classification Sherloc (09022015). Collection method: clinical testing. Allele origin: germline.
Comment: This sequence change replaces serine, which is neutral and polar, with methionine, which is neutral and non-polar, at codon 464 of the JMJD1C protein (p.Ser464Met). This variant is present in population databases (no rsID available, gnomAD 0.4%). This variant has not been reported in the literature in individuals affected with JMJD1C-related conditions. ClinVar contains an entry for this variant (Variation ID: 1500932). An algorithm developed to predict the effect of missense changes on protein structure and function (PolyPhen-2) suggests that this variant is likely to be tolerated. In summary, the available evidence is currently insufficient to determine the role of this variant in disease. Therefore, it has been classified as a Variant of Uncertain Significance.